The following is an entry in ClinVar:

ClinVar aggregate classification (germline): Conflicting classifications of pathogenicity. Review status: criteria provided, conflicting classifications (1 of 4 stars). 6 submissions from 6 submitters: Uncertain significance (1); Benign (1); Likely benign (3). 1 of the submissions does not count toward it. Last evaluated 2026-01-06.

Conditions:
Usher syndrome type 2A. Also called: USHER SYNDROME, TYPE IIA; RETINAL DISEASE IN USHER SYNDROME TYPE IIA, MODIFIER OF. Identifiers: Orphanet 231178, Orphanet 886, MedGen C1848634, MONDO:0010169, OMIM 276901.

Allele frequency attached by ClinVar (database versions not stated): ExAC 0.00027; ESP Exome Variant Server 0.00046; gnomAD 0.00064 and 0.00065; TOPMed 0.00072; 1000 Genomes Project 0.00120; 1000 Genomes Project 30x 0.00156.
gnomAD v4.1: 176 of 1,613,710 alleles (0.011%); highest among the groups gnomAD compares: African/African-American, 0.22%; no homozygotes.

Submissions (6):

Labcorp Genetics (formerly Invitae), Labcorp
Classification: Benign. Last evaluated: 2026-01-06. Review status: criteria provided, single submitter. Criteria: Invitae Variant Classification Sherloc (09022015). Collection method: clinical testing. Allele origin: germline.

Blueprint Genetics
Classification: Likely benign. Last evaluated: 2024-09-13. Review status: criteria provided, single submitter. Criteria: ACMG Guidelines, 2015. Collection method: clinical testing. Allele origin: germline.

GeneDx
Classification: Likely benign. Last evaluated: 2019-11-15. Review status: criteria provided, single submitter. Criteria: GeneDx Variant Classification Process June 2021. Collection method: clinical testing. Allele origin: germline. Affected: yes.

Eurofins Ntd Llc (ga)
Classification: Uncertain significance. Last evaluated: 2016-03-21. Review status: criteria provided, single submitter. Criteria: EGL Classification Definitions 2015. Collection method: clinical testing. Allele origin: germline. Observed: 1 variant allele, 1 heterozygote.

Laboratory for Molecular Medicine, Mass General Brigham Personalized Medicine
Classification: Likely benign. Last evaluated: 2014-08-11. Review status: criteria provided, single submitter. Criteria: LMM Criteria. Collection method: clinical testing. Allele origin: germline. Observed: 1 variant allele.
Comment: Gly1526Gly in Exon 21A of USH2A: This variant is not expected to have clinical s ignificance because it does not alter an amino acid residue, is not located with in the splice consensus sequence, and has been identified in 0.1% (6/4406) of Af rican American chromosomes from a broad population by the NHLBI Exome Sequencing Project (dbSNP rs147560504).

Natera, Inc.
Classification: Uncertain significance for Usher syndrome type 2A. Last evaluated: 2020-01-24. Review status: no assertion criteria provided. Collection method: clinical testing. Allele origin: germline. Not counted in ClinVar's aggregate classification.

NM_206933.4(USH2A):c.4578G>T (p.Gly1526=)

Gene: USH2A (usherin; minus strand). Cytogenetic location: 1q41.
Variant type: single nucleotide variant.
Coding change: c.4578G>T on transcript NM_206933.4 (MANE Select); coding-DNA position 4578, G replaced by T.
Protein change: p.Gly1526=; no amino-acid change (glycine 1526 retained).
Molecular consequence: synonymous variant.
Genome position (GRCh38, 1-based): chr1:216,175,301, C>A on the plus strand (G>T on the coding strand, the complement: USH2A is on the minus strand). VCF-style: chr1-216175301-C-A. GRCh37 (hg19) VCF-style: chr1-216348643-C-A.
Other names: c.4578G>T, p.Gly1526= (NM_007123.6).
Identifiers: ClinVar variation 48519 (VCV000048519.22), dbSNP rs147560504, ClinGen allele CA143491.